The following is an entry in ClinVar:

NM_016222.4(DDX41):c.983T>C (p.Leu328Pro)

Gene: DDX41 (DEAD-box helicase 41; minus strand). Cytogenetic location: 5q35.3.
Variant type: single nucleotide variant.
Coding change: c.983T>C on transcript NM_016222.4 (MANE Select); coding-DNA position 983, T replaced by C.
Protein change: p.Leu328Pro; replaces leucine 328 with proline.
Molecular consequence: missense variant.
Genome position (GRCh38, 1-based): chr5:177,513,800, A>G on the plus strand (T>C on the coding strand, the complement: DDX41 is on the minus strand). VCF-style: chr5-177513800-A-G. GRCh37 (hg19) VCF-style: chr5-176940801-A-G.
Other names: c.605T>C, p.Leu202Pro (NM_001321732.2, NM_001321830.2); short protein forms L202P, L328P.
Identifiers: ClinVar variation 4869679 (VCV004869679.1).
Genomic context (GRCh38, chr5:177,513,800, plus strand): 5'-CGGTCAGCCTCGTCCAGGGCCAGGTAGCGACAGATGTCTAGGCTGACCATCTTCTTCTGC[A>G]GCAAATCCATGAGGCGCCCCGGGGTGGCCACCATCATGTGTACACCGCTGGGGACCAAGG-3'
Protein context (NP_057306.2, residues 318-338): VATPGRLMDL[Leu328Pro]QKKMVSLDIC

ClinVar aggregate classification (germline): Uncertain significance (1 of 4 stars; one submission).

Conditions:
Inborn genetic diseases. Identifiers: MedGen C0950123, MeSH D030342.

Submission:

Ambry Genetics
Classification: Uncertain significance for Inborn genetic diseases. Last evaluated: 2026-05-17. Review status: criteria provided, single submitter. Criteria: Ambry Variant Classification Scheme 2023. Collection method: clinical testing. Allele origin: germline.
Comment: The p.L328P variant (also known as c.983T>C), located in coding exon 10 of the DDX41 gene, results from a T to C substitution at nucleotide position 983. The leucine at codon 328 is replaced by proline, an amino acid with similar properties. This amino acid position is conserved. In addition, this alteration is predicted to be deleterious by in silico analysis. Based on the available evidence, the clinical significance of this variant remains unclear.